The following is an entry in ClinVar:

ClinVar aggregate classification (germline): Likely benign (1 of 4 stars; one submission).

Allele frequency attached by ClinVar (database versions not stated): gnomAD 0.00638; TOPMed 0.00666; ESP Exome Variant Server 0.00707; gnomAD exomes 0.00805; 1000 Genomes Project 0.00359; 1000 Genomes Project 30x 0.00390; ExAC 0.00618.
gnomAD v4.1: 12,762 of 1,614,138 alleles (0.79%); highest among the groups gnomAD compares: Non-Finnish European, 0.92%; 69 homozygotes.

Submission:

CeGaT Center for Human Genetics Tuebingen
Classification: Likely benign. Last evaluated: 2023-02-01. Review status: criteria provided, single submitter. Criteria: CeGaT Center For Human Genetics Tuebingen Variant Classification Criteria Version 2. Collection method: clinical testing. Allele origin: germline. Affected: yes. Observed: 1 variant allele.
Comment: PTPN21: BP4, BP7, BS2

NM_007039.4(PTPN21):c.3051G>A (p.Arg1017=)

Genes: PTPN21 (protein tyrosine phosphatase non-receptor type 21; minus strand), SPATA7 (spermatogenesis associated 7; plus strand). Cytogenetic location: 14q31.3.
Variant type: single nucleotide variant.
Coding change: c.3051G>A on transcript NM_007039.4 (MANE Select); coding-DNA position 3051, G replaced by A.
Protein change: p.Arg1017=; no amino-acid change (arginine 1017 retained).
Molecular consequence: synonymous variant.
Genome position (GRCh38, 1-based): chr14:88,469,683, C>T on the plus strand (G>A on the coding strand, the complement: PTPN21 is on the minus strand). VCF-style: chr14-88469683-C-T. GRCh37 (hg19) VCF-style: chr14-88936027-C-T.
Identifiers: ClinVar variation 2644435 (VCV002644435.24), dbSNP rs116844740, ClinGen allele CA7299045.